The following is an entry in ClinVar:

ClinVar aggregate classification (germline): Pathogenic (1 of 4 stars; one submission).

Conditions:
Neurofibromatosis, type 1 (NF1). Also called: VON RECKLINGHAUSEN DISEASE; Neurofibromatosis, type I; Peripheral type neurofibromatosis; NEUROFIBROMATOSIS, TYPE I, SOMATIC. Identifiers: Orphanet 636, MedGen C0027831, MONDO:0018975, OMIM 162200. Disease mechanism: loss of function.

Submission:

Labcorp Genetics (formerly Invitae), Labcorp
Classification: Pathogenic for Neurofibromatosis, type 1. Last evaluated: 2023-04-06. Review status: criteria provided, single submitter. Criteria: Invitae Variant Classification Sherloc (09022015). Collection method: clinical testing. Allele origin: germline.
Comment: This sequence change creates a premature translational stop signal (p.Leu375Asnfs*3) in the NF1 gene. It is expected to result in an absent or disrupted protein product. Loss-of-function variants in NF1 are known to be pathogenic (PMID: 10712197, 23913538). This variant is not present in population databases (gnomAD no frequency). This variant has not been reported in the literature in individuals affected with NF1-related conditions. For these reasons, this variant has been classified as Pathogenic.

Literature cited by the submitters: PubMed 10712197; PubMed 23913538.

NM_001042492.3(NF1):c.1123_1124del (p.Leu375fs)

Gene: NF1 (neurofibromin 1; plus strand). Cytogenetic location: 17q11.2.
Variant type: Deletion.
Coding change: c.1123_1124del on transcript NM_001042492.3 (MANE Select); coding-DNA positions 1123 to 1124, 2 bases deleted (CT; older notation c.1123_1124delCT).
Protein change: p.Leu375fs; shifts the reading frame from leucine 375.
Molecular consequence: frameshift variant.
Genome position (GRCh38, 1-based): chr17:31,201,097-31,201,098, CT deleted; deleting any 2 consecutive bases within chr17:31,201,096-31,201,098 gives the same sequence; the c. name uses the placement nearest the transcript's 3' end. VCF-style (leftmost placement, unchanged base first): chr17-31201095-ATC-A. GRCh37 (hg19) VCF-style: chr17-29528113-ATC-A.
Other names: c.1123_1124delCT, p.Leu375Asnfs (NM_000267.4); c.1123_1124del, p.Leu375fs (NM_001128147.3); short protein forms L375fs.
Identifiers: ClinVar variation 2852193 (VCV002852193.3), dbSNP rs2544797114, ClinGen allele CA2739267332.